The following is an entry in ClinVar:

ClinVar aggregate classification (germline): Likely benign (1 of 4 stars; one submission).

Allele frequency attached by ClinVar (database versions not stated): gnomAD exomes 0.00007; ExAC 0.00035; gnomAD 0.00035; 1000 Genomes Project 0.00200.
gnomAD v4.1: 153 of 1,586,876 alleles (0.0096%); highest among the groups gnomAD compares: East Asian, 0.15%; 1 homozygote.

Submission:

CeGaT Center for Human Genetics Tuebingen
Classification: Likely benign. Last evaluated: 2024-08-01. Review status: criteria provided, single submitter. Criteria: CeGaT Center For Human Genetics Tuebingen Variant Classification Criteria Version 2. Collection method: clinical testing. Allele origin: germline. Affected: yes. Observed: 2 variant alleles.
Comment: LIAT1: BP4, BP7

NM_001013672.5(LIAT1):c.891C>T (p.Pro297=)

Genes: LIAT1 (ligand of ATE1; plus strand), LOC105371430 (uncharacterized LOC105371430; minus strand). Cytogenetic location: 17p13.3.
Variant type: single nucleotide variant.
Coding change: c.891C>T on transcript NM_001013672.5 (MANE Select); coding-DNA position 891, C replaced by T.
Protein change: p.Pro297=; no amino-acid change (proline 297 retained).
Molecular consequence: synonymous variant.
Genome position (GRCh38, 1-based): chr17:413,734, C>T. VCF-style: chr17-413734-C-T. GRCh37 (hg19) VCF-style: chr17-263525-C-T.
Identifiers: ClinVar variation 2647160 (VCV002647160.24), dbSNP rs373652541, ClinGen allele CA8260795.